The following is an entry in ClinVar:

ClinVar aggregate classification (germline): Benign/Likely benign. Review status: criteria provided, multiple submitters, no conflicts (2 of 4 stars). 8 submissions from 8 submitters: Benign (1); Likely benign (3). 4 of the submissions do not count toward it. Last evaluated 2026-01-15.

Conditions:
KCNQ1-related disorder. Also called: KCNQ1-related disorders; KCNQ1-related condition. Identifiers: MedGen CN239322.
Long QT syndrome (LQTS). Identifiers: MedGen C0023976, MeSH D008133, MONDO:0002442. Disease mechanism: loss of function. Inheritance: Various modes of inheritance.

Allele frequency attached by ClinVar (database versions not stated): TOPMed 0.00002; gnomAD 0.00006; ExAC 0.00007; 1000 Genomes Project 30x 0.00031; 1000 Genomes Project 0.00040.
gnomAD v4.1: 57 of 1,614,180 alleles (0.0035%); highest among the groups gnomAD compares: East Asian, 0.042%; no homozygotes.

Submissions (8):

Labcorp Genetics (formerly Invitae), Labcorp
Classification: Benign for Long QT syndrome. Last evaluated: 2026-01-15. Review status: criteria provided, single submitter. Criteria: Invitae Variant Classification Sherloc (09022015). Collection method: clinical testing. Allele origin: germline.

Blueprint Genetics
Classification: Likely benign. Last evaluated: 2023-09-04. Review status: criteria provided, single submitter. Criteria: ACMG Guidelines, 2015. Collection method: clinical testing. Allele origin: germline.

GeneDx
Classification: Likely benign. Last evaluated: 2017-04-26. Review status: criteria provided, single submitter. Criteria: GeneDx Variant Classification (06012015). Collection method: clinical testing. Allele origin: germline. Affected: yes.
Comment: This variant is considered likely benign or benign based on one or more of the following criteria: it is a conservative change, it occurs at a poorly conserved position in the protein, it is predicted to be benign by multiple in silico algorithms, and/or has population frequency not consistent with disease.

Laboratory for Molecular Medicine, Mass General Brigham Personalized Medicine
Classification: Likely benign. Last evaluated: 2015-04-17. Review status: criteria provided, single submitter. Criteria: LMM Criteria. Collection method: clinical testing. Allele origin: germline. Observed: 2 variant alleles.
Comment: c.1514+7G>T in intron 11 of KCNQ1: This variant is not expected to have clinica l significance because it is not located within the invariant positions of the s plice site consensus sequence, and computational tools do not predict an impact to splicing. It has been identified in 5/8652 of East Asian chromosomes and in 3 /16508 South Asian chromosomes by the Exome Aggregation Consortium (ExAC; dbSNP rs372593469).

PreventionGenetics, part of Exact Sciences
Classification: Likely benign for KCNQ1-related condition. Last evaluated: 2020-08-21. Review status: no assertion criteria provided. Collection method: clinical testing. Allele origin: germline. Not counted in ClinVar's aggregate classification.
Comment: This variant is classified as likely benign based on ACMG/AMP sequence variant interpretation guidelines (Richards et al. 2015 PMID: 25741868, with internal and published modifications).

Clinical Genetics DNA and cytogenetics Diagnostics Lab, Erasmus MC, Erasmus Medical Center
Classification: Likely benign. Review status: no assertion criteria provided. Collection method: clinical testing. Allele origin: germline. Affected: yes. Study: VKGL Data-share Consensus. Not counted in ClinVar's aggregate classification.

Clinical Genetics, Academic Medical Center
Classification: Benign. Review status: no assertion criteria provided. Collection method: clinical testing. Allele origin: germline. Affected: yes. Study: VKGL Data-share Consensus. Not counted in ClinVar's aggregate classification.

Joint Genome Diagnostic Labs from Nijmegen and Maastricht, Radboudumc and MUMC+
Classification: Likely benign. Review status: no assertion criteria provided. Collection method: clinical testing. Allele origin: germline. Affected: yes. Study: VKGL Data-share Consensus. Not counted in ClinVar's aggregate classification.

NM_000218.3(KCNQ1):c.1514+7G>T

Genes: KCNQ1 (potassium voltage-gated channel subfamily Q member 1; plus strand), KCNQ1OT1 (KCNQ1 opposite strand/antisense transcript 1; minus strand). Cytogenetic location: 11p15.5.
Variant type: single nucleotide variant.
Coding change: c.1514+7G>T on transcript NM_000218.3 (MANE Select); 7 bases into the intron after coding-DNA position 1514, G replaced by T.
Molecular consequence: intron variant.
Genome position (GRCh38, 1-based): chr11:2,662,088, G>T. VCF-style: chr11-2662088-G-T. GRCh37 (hg19) VCF-style: chr11-2683318-G-T.
Other names: c.1244+7G>T (NM_001406837.1); c.1418+7G>T (NM_001406836.1); c.974+7G>T (NM_001406838.1); c.1133+7G>T (NM_181798.2).
Identifiers: ClinVar variation 227461 (VCV000227461.30), dbSNP rs372593469, ClinGen allele CA030418.
Genomic context (GRCh38, chr11:2,662,088, plus strand): 5'-GGACCTGGACCTGGAAGGGGAGACTCTGCTGACACCCATCACCCACATCTCACAGTGAGT[G>T]CCTACATGTGCGTGAAGGGCTGGGCTGGAGGGGACTGGAGCTCAAGGAGTCAGACTTGGT-3'